The following is an entry in ClinVar:

NM_001048174.2(MUTYH):c.1063C>A (p.Leu355Ile)

Gene: MUTYH (mutY DNA glycosylase; minus strand). Cytogenetic location: 1p34.1.
Variant type: single nucleotide variant.
Coding change: c.1063C>A on transcript NM_001048174.2 (MANE Select); coding-DNA position 1063, C replaced by A.
Protein change: p.Leu355Ile; replaces leucine 355 with isoleucine.
Molecular consequence: missense variant. On other transcripts: non-coding transcript variant (7).
Genome position (GRCh38, 1-based): chr1:45,331,700, G>T on the plus strand (C>A on the coding strand, the complement: MUTYH is on the minus strand). VCF-style: chr1-45331700-G-T. GRCh37 (hg19) VCF-style: chr1-45797372-G-T.
Other names: c.1063C>A, p.Leu355Ile (NM_001048171.2, NM_001048173.2, NM_001407070.1 and 6 more transcripts); c.1066C>A, p.Leu356Ile (NM_001048172.2, NM_001407071.1, NM_001407078.1 and 1 more transcripts); c.979C>A, p.Leu327Ile (NM_001407075.1); c.1096C>A, p.Leu366Ile (NM_001407077.1, NM_001293191.2, NM_001407069.1); c.1024C>A, p.Leu342Ile (NM_001407079.1); c.1021C>A, p.Leu341Ile (NM_001407080.1); c.1147C>A, p.Leu383Ile (NM_001128425.2); c.1108C>A, p.Leu370Ile (NM_001293190.2); and 5 more; short protein forms L327I, L366I, L263I, L355I, L362I, L383I, L356I, L370I.
Identifiers: ClinVar variation 4112861 (VCV004112861.1).

ClinVar aggregate classification (germline): Uncertain significance (1 of 4 stars; one submission).

Conditions:
Hereditary cancer-predisposing syndrome. Also called: Tumor predisposition; Neoplastic Syndromes, Hereditary; Hereditary neoplastic syndrome; Hereditary Cancer Syndrome. Identifiers: Orphanet 140162, MedGen C0027672, MeSH D009386, MONDO:0015356.

Submission:

Ambry Genetics
Classification: Uncertain significance for Hereditary cancer-predisposing syndrome. Last evaluated: 2025-08-27. Review status: criteria provided, single submitter. Criteria: Ambry Variant Classification Scheme 2023. Collection method: clinical testing. Allele origin: germline.
Comment: The p.L383I variant (also known as c.1147C>A), located in coding exon 12 of the MUTYH gene, results from a C to A substitution at nucleotide position 1147. The leucine at codon 383 is replaced by isoleucine, an amino acid with highly similar properties. This amino acid position is conserved. In addition, this alteration is predicted to be tolerated by in silico analysis. Based on the available evidence, the clinical significance of this variant remains unclear.